The following is an entry in ClinVar:

NM_001007553.3(CSDE1):c.1111C>G (p.Arg371Gly)

Gene: CSDE1 (cold shock domain containing E1; minus strand). Cytogenetic location: 1p13.2.
Variant type: single nucleotide variant.
Coding change: c.1111C>G on transcript NM_001007553.3 (MANE Select); coding-DNA position 1111, C replaced by G.
Protein change: p.Arg371Gly; replaces arginine 371 with glycine.
Molecular consequence: missense variant.
Genome position (GRCh38, 1-based): chr1:114,730,588, G>C on the plus strand (C>G on the coding strand, the complement: CSDE1 is on the minus strand). VCF-style: chr1-114730588-G-C. GRCh37 (hg19) VCF-style: chr1-115273209-G-C.
Other names: c.1156C>G, p.Arg386Gly (NM_001130523.3); c.1249C>G, p.Arg417Gly (NM_001242891.2); c.1111C>G, p.Arg371Gly (NM_001242892.2); c.1018C>G, p.Arg340Gly (NM_001242893.2, NM_007158.6); short protein forms R340G, R371G, R386G, R417G.
Identifiers: ClinVar variation 3361630 (VCV003361630.1).

ClinVar aggregate classification (germline): Uncertain significance (1 of 4 stars; one submission).

Submission:

GeneDx
Classification: Uncertain significance. Last evaluated: 2023-07-24. Review status: criteria provided, single submitter. Criteria: GeneDx Variant Classification Process June 2021. Collection method: clinical testing. Allele origin: germline. Affected: yes.
Comment: Not observed at significant frequency in large population cohorts (gnomAD); In silico analysis supports that this missense variant has a deleterious effect on protein structure/function; In silico analysis suggests this variant may impact gene splicing. In the absence of RNA/functional studies, the actual effect of this sequence change is unknown.; Has not been previously published as pathogenic or benign to our knowledge